The following is an entry in ClinVar:

NM_000051.4(ATM):c.6217C>G (p.Leu2073Val)

Genes: ATM (ATM serine/threonine kinase; plus strand), C11orf65 (chromosome 11 open reading frame 65; minus strand). Cytogenetic location: 11q22.3.
Variant type: single nucleotide variant.
Coding change: c.6217C>G on transcript NM_000051.4 (MANE Select); coding-DNA position 6217, C replaced by G.
Protein change: p.Leu2073Val; replaces leucine 2073 with valine.
Molecular consequence: missense variant. On other transcripts: intron variant (2).
Genome position (GRCh38, 1-based): chr11:108,317,391, C>G. VCF-style: chr11-108317391-C-G. GRCh37 (hg19) VCF-style: chr11-108188118-C-G.
Other names: c.6217C>G, p.Leu2073Val (NM_001351834.2); c.641-8320G>C (NM_001330368.2); c.*39-8320G>C (NM_001351110.2); short protein forms L2073V.
Identifiers: ClinVar variation 418038 (VCV000418038.14), dbSNP rs767406075, ClinGen allele CA6265895.

ClinVar aggregate classification (germline): Uncertain significance. Review status: criteria provided, multiple submitters, no conflicts (2 of 4 stars). 4 submissions from 4 submitters: Uncertain significance (4). Last evaluated 2025-11-05.

Conditions:
Hereditary cancer-predisposing syndrome. Also called: Neoplastic Syndromes, Hereditary; Hereditary Cancer Syndrome; Tumor predisposition; Hereditary neoplastic syndrome. Identifiers: Orphanet 140162, MedGen C0027672, MeSH D009386, MONDO:0015356.
Ataxia-telangiectasia syndrome (AT). Also called: LOUIS-BAR SYNDROME; Cerebello-oculocutaneous telangiectasia; Immunodeficiency with ataxia telangiectasia; Ataxia-telangiectasia, complementation group D; AT, COMPLEMENTATION GROUP C; Ataxia-telangiectasia, complementation group E. Identifiers: Orphanet 100, MedGen C0004135, MONDO:0008840, OMIM 208900.

Allele frequency attached by ClinVar (database versions not stated): TOPMed 0.00001; ExAC 0.00003.
gnomAD v4.1: 11 of 1,611,840 alleles (0.00068%); highest among the groups gnomAD compares: Non-Finnish European, 0.00076%; no homozygotes.

Submissions (4):

Labcorp Genetics (formerly Invitae), Labcorp
Classification: Uncertain significance for Ataxia-telangiectasia syndrome. Last evaluated: 2025-11-05. Review status: criteria provided, single submitter. Criteria: Invitae Variant Classification Sherloc (09022015). Collection method: clinical testing. Allele origin: germline.
Comment: This sequence change replaces leucine, which is neutral and non-polar, with valine, which is neutral and non-polar, at codon 2073 of the ATM protein (p.Leu2073Val). This variant is present in population databases (rs767406075, gnomAD 0.004%). This missense change has been observed in individual(s) with breast cancer (PMID: 34282249). ClinVar contains an entry for this variant (Variation ID: 418038). Invitae Evidence Modeling of protein sequence and biophysical properties (such as structural, functional, and spatial information, amino acid conservation, physicochemical variation, residue mobility, and thermodynamic stability) indicates that this missense variant is not expected to disrupt ATM protein function with a negative predictive value of 95%. In summary, the available evidence is currently insufficient to determine the role of this variant in disease. Therefore, it has been classified as a Variant of Uncertain Significance.

Ambry Genetics
Classification: Uncertain significance for Hereditary cancer-predisposing syndrome. Last evaluated: 2025-10-22. Review status: criteria provided, single submitter. Criteria: Ambry Variant Classification Scheme 2023. Collection method: clinical testing. Allele origin: germline.
Comment: The p.L2073V variant (also known as c.6217C>G), located in coding exon 42 of the ATM gene, results from a C to G substitution at nucleotide position 6217. The leucine at codon 2073 is replaced by valine, an amino acid with highly similar properties. This amino acid position is highly conserved in available vertebrate species. In addition, the in silico prediction for this alteration is inconclusive. Since supporting evidence is limited at this time, the clinical significance of this alteration remains unclear.

Color Diagnostics, LLC DBA Color Health
Classification: Uncertain significance for Hereditary cancer-predisposing syndrome. Last evaluated: 2024-06-24. Review status: criteria provided, single submitter. Criteria: ACMG Guidelines, 2015. Collection method: clinical testing. Allele origin: germline.
Comment: This missense variant replaces leucine with valine at codon 2073 of the ATM protein. Computational prediction suggests that this variant may not impact protein structure and function. To our knowledge, functional studies have not been reported for this variant. This variant has been reported in a family affected with breast cancer (PMID: 34282249). This variant has been identified in 4/251372 chromosomes in the general population by the Genome Aggregation Database (gnomAD). The available evidence is insufficient to determine the role of this variant in disease conclusively. Therefore, this variant is classified as a Variant of Uncertain Significance.

GeneDx
Classification: Uncertain significance. Last evaluated: 2019-05-02. Review status: criteria provided, single submitter. Criteria: GeneDx Variant Classification Process June 2021. Collection method: clinical testing. Allele origin: germline. Affected: yes.
Comment: Not observed at a significant frequency in large population cohorts (Lek et al., 2016); In silico analysis, which includes protein predictors and evolutionary conservation, supports that this variant does not alter protein structure/function; This variant is associated with the following publications: (PMID: 22420423)

Literature cited by the submitters: PubMed 34282249 (cited by Labcorp Genetics (formerly Invitae), Labcorp and Color Diagnostics, LLC DBA Color Health).